The following is an entry in ClinVar:

NM_014780.5(CUL7):c.4886T>C (p.Leu1629Pro)

Gene: CUL7 (cullin 7; minus strand). Cytogenetic location: 6p21.1.
Variant type: single nucleotide variant.
Coding change: c.4886T>C on transcript NM_014780.5 (MANE Select); coding-DNA position 4886, T replaced by C.
Protein change: p.Leu1629Pro; replaces leucine 1629 with proline.
Molecular consequence: missense variant.
Genome position (GRCh38, 1-based): chr6:43,037,899, A>G on the plus strand (T>C on the coding strand, the complement: CUL7 is on the minus strand). VCF-style: chr6-43037899-A-G. GRCh37 (hg19) VCF-style: chr6-43005637-A-G.
Other names: c.4982T>C, p.Leu1661Pro (NM_001374872.1, NM_001168370.2); c.4898T>C, p.Leu1633Pro (NM_001374873.1); c.4883T>C, p.Leu1628Pro (NM_001374874.1); short protein forms L1628P, L1629P, L1633P, L1661P.
Identifiers: ClinVar variation 1465457 (VCV001465457.6), dbSNP rs1763083713, ClinGen allele CA364181479.
Genomic context (GRCh38, chr6:43,037,899, plus strand): 5'-GGGACTGCATAGGACAGCACCTGGGGCCGGTCGTCATGGCGTCTCAGCGTGCCCTTGCCC[A>G]GGAGGTGTAGGATGCAGGAGAGGACGTCAGTGCTGCTGCATGCAGACCCCTTACCAAGGC-3'
Protein context (NP_055595.2, residues 1619-1639): TDVLSCILHL[Leu1629Pro]GKGTLRRHDD

ClinVar aggregate classification (germline): Uncertain significance (1 of 4 stars; one submission).

Allele frequency attached by ClinVar (database versions not stated): TOPMed below 0.00001.

Submission:

Labcorp Genetics (formerly Invitae), Labcorp
Classification: Uncertain significance. Last evaluated: 2021-10-05. Review status: criteria provided, single submitter. Criteria: Invitae Variant Classification Sherloc (09022015). Collection method: clinical testing. Allele origin: germline.
Comment: In summary, the available evidence is currently insufficient to determine the role of this variant in disease. Therefore, it has been classified as a Variant of Uncertain Significance. Algorithms developed to predict the effect of missense changes on protein structure and function (SIFT, PolyPhen-2, Align-GVGD) all suggest that this variant is likely to be disruptive. This missense change has been observed in individual(s) with clinical features of 3-M syndrome (Invitae). In at least one individual the data is consistent with the variant being in trans (on the opposite chromosome) from a pathogenic variant. It has also been observed to segregate with disease in related individuals. This variant is not present in population databases (ExAC no frequency). This sequence change replaces leucine with proline at codon 1629 of the CUL7 protein (p.Leu1629Pro). The leucine residue is highly conserved and there is a moderate physicochemical difference between leucine and proline.